The following is an entry in ClinVar:

ClinVar aggregate classification (germline): Uncertain significance (1 of 4 stars; one submission).

Conditions:
Neutropenia, severe congenital, 2, autosomal dominant. Identifiers: Orphanet 486, MedGen C2751288, MONDO:0013139, OMIM 613107.

Submission:

Labcorp Genetics (formerly Invitae), Labcorp
Classification: Uncertain significance for Neutropenia, severe congenital, 2, autosomal dominant. Last evaluated: 2022-02-04. Review status: criteria provided, single submitter. Criteria: Invitae Variant Classification Sherloc (09022015). Collection method: clinical testing. Allele origin: germline.
Comment: In summary, the available evidence is currently insufficient to determine the role of this variant in disease. Therefore, it has been classified as a Variant of Uncertain Significance. Algorithms developed to predict the effect of missense changes on protein structure and function (SIFT, PolyPhen-2, Align-GVGD) all suggest that this variant is likely to be disruptive. This variant has not been reported in the literature in individuals affected with GFI1-related conditions. This variant is not present in population databases (gnomAD no frequency). This sequence change replaces isoleucine, which is neutral and non-polar, with threonine, which is neutral and polar, at codon 361 of the GFI1 protein (p.Ile361Thr).

NM_005263.5(GFI1):c.1082T>C (p.Ile361Thr)

Gene: GFI1 (growth factor independent 1 transcriptional repressor; minus strand). Cytogenetic location: 1p22.1.
Variant type: single nucleotide variant.
Coding change: c.1082T>C on transcript NM_005263.5 (MANE Select); coding-DNA position 1082, T replaced by C.
Protein change: p.Ile361Thr; replaces isoleucine 361 with threonine.
Molecular consequence: missense variant.
Genome position (GRCh38, 1-based): chr1:92,478,596, A>G on the plus strand (T>C on the coding strand, the complement: GFI1 is on the minus strand). VCF-style: chr1-92478596-A-G. GRCh37 (hg19) VCF-style: chr1-92944153-A-G.
Other names: c.1082T>C, p.Ile361Thr (NM_001127215.3, NM_001127216.3); short protein forms I361T.
Identifiers: ClinVar variation 1495351 (VCV001495351.8), dbSNP rs2101563362, ClinGen allele CA341148020.